The following is an entry in ClinVar:

ClinVar aggregate classification (germline): Benign. Review status: criteria provided, multiple submitters, no conflicts (2 of 4 stars). 2 submissions from 2 submitters: Benign (2). Last evaluated 2018-01-13.

Conditions:
Fanconi-Bickel syndrome (FBS). Also called: HEPATIC GLYCOGENOSIS WITH FANCONI NEPHROPATHY; HEPATORENAL GLYCOGENOSIS WITH RENAL FANCONI SYNDROME; PSEUDO-PHLORIZIN DIABETES; Glycogen storage disease due to GLUT2 deficiency; FANCONI SYNDROME WITH INTESTINAL MALABSORPTION AND GALACTOSE INTOLERANCE; HEPATIC GLYCOGENOSIS WITH AMINO ACIDURIA AND GLUCOSURIA. Identifiers: Orphanet 2088, MedGen C3495427, MONDO:0009216, OMIM 227810.

Allele frequency attached by ClinVar (database versions not stated): gnomAD exomes 0.13105; 1000 Genomes Project 0.18590; gnomAD 0.19518 and 0.20048; 1000 Genomes Project 30x 0.19613; TOPMed 0.20156.
gnomAD v4.1: 62,057 of 397,696 alleles (16%); highest among the groups gnomAD compares: African/African-American, 36%; 6,303 homozygotes.

Submissions (2):

Illumina Laboratory Services, Illumina
Classification: Benign for Fanconi-Bickel syndrome. Last evaluated: 2018-01-13. Review status: criteria provided, single submitter. Criteria: ICSL Variant Classification Criteria 13 December 2019. Collection method: clinical testing. Allele origin: germline.
Comment: This variant was observed in the ICSL laboratory as part of a predisposition screen in an ostensibly healthy population. It had not been previously curated by ICSL or reported in the Human Gene Mutation Database (HGMD: prior to June 1st, 2018), and was therefore a candidate for classification through an automated scoring system. Utilizing variant allele frequency, disease prevalence and penetrance estimates, and inheritance mode, an automated score was calculated to assess if this variant is too frequent to cause the disease. Based on the score and internal cut-off values, a variant classified as benign is not then subjected to further curation. The score for this variant resulted in a classification of benign for this disease.

Breakthrough Genomics
Classification: Benign. Review status: criteria provided, single submitter. Criteria: ACMG Guidelines, 2015. Collection method: not provided. Allele origin: germline. Inheritance: Autosomal recessive inheritance. Affected: yes.

NM_000340.2(SLC2A2):c.*1257C>T

Gene: SLC2A2 (solute carrier family 2 member 2; minus strand). Cytogenetic location: 3q26.2.
Variant type: single nucleotide variant.
Coding change: c.*1257C>T on transcript NM_000340.2 (MANE Select); 1257 bases downstream of the stop codon, C replaced by T.
Molecular consequence: 3 prime UTR variant.
Genome position (GRCh38, 1-based): chr3:170,996,646, G>A on the plus strand (C>T on the coding strand, the complement: SLC2A2 is on the minus strand). VCF-style: chr3-170996646-G-A. GRCh37 (hg19) VCF-style: chr3-170714435-G-A.
Other names: c.*1257C>T (NM_001278658.2, NM_001278659.2).
Identifiers: ClinVar variation 344137 (VCV000344137.6), dbSNP rs55679742, ClinGen allele CA10615797.